The following is an entry in ClinVar:

GRCh38/hg38 16p13.11-12.3(chr16:14816348-18658403)x1

Genes: ABCC1 (ATP binding cassette subfamily C member 1 (ABCC1 blood group); plus strand), ABCC6 (ATP binding cassette subfamily C member 6; minus strand), BMERB1 (bMERB domain containing 1; plus strand), CEP20 (centrosomal protein 20; minus strand), MARF1 (meiosis regulator and mRNA stability factor 1; minus strand) and 93 more. Cytogenetic location: 16p13.11-12.3.
Variant type: copy number loss.
Change: copy number 1 (one copy instead of two) of chr16:14,816,348-18,658,403 (3.84 Mb, GRCh38 coordinates, 1-based), cytogenetic band 16p13.11-12.3.
Identifiers: ClinVar variation 57294 (VCV000057294.1).

ClinVar aggregate classification (germline): Pathogenic (1 of 4 stars; one submission).

Submission:

ISCA site 4
Classification: Pathogenic. Last evaluated: 2011-08-12. Review status: criteria provided, single submitter. Criteria: Kaminsky et al. (Genet Med. 2011). Collection method: clinical testing. Allele origin: unknown. Affected: yes. Observed: 1 variant allele.
Comment: Copy number variation identified through the course of routine clinical cytogenomic testing in postnatal populations. Clinical assertions have been curated as described in Kaminsky et al. 2011.